The following is an entry in ClinVar:

NM_000264.5(PTCH1):c.2799G>A (p.Ala933=)

Gene: PTCH1 (patched 1; minus strand). Cytogenetic location: 9q22.32.
Variant type: single nucleotide variant.
Coding change: c.2799G>A on transcript NM_000264.5 (MANE Select); coding-DNA position 2799, G replaced by A.
Protein change: p.Ala933=; no amino-acid change (alanine 933 retained).
Molecular consequence: synonymous variant. On other transcripts: non-coding transcript variant (1).
Genome position (GRCh38, 1-based): chr9:95,459,688, C>T on the plus strand (G>A on the coding strand, the complement: PTCH1 is on the minus strand). VCF-style: chr9-95459688-C-T. GRCh37 (hg19) VCF-style: chr9-98221970-C-T.
Other names: c.2601G>A, p.Ala867= (NM_001083602.3); c.2796G>A, p.Ala932= (NM_001083603.3); c.2346G>A, p.Ala782= (NM_001083604.3, NM_001083605.3, NM_001083606.3 and 1 more transcripts); c.2643G>A, p.Ala881= (NM_001354918.2).
Identifiers: ClinVar variation 215457 (VCV000215457.46), dbSNP rs111446700, ClinGen allele CA335962.

ClinVar aggregate classification (germline): Benign/Likely benign. Review status: criteria provided, multiple submitters, no conflicts (2 of 4 stars). 13 submissions from 12 submitters: Benign (12); Likely benign (1). Last evaluated 2026-02-04.

Conditions:
Basal cell carcinoma, susceptibility to, 1. Also called: BCC1. Identifiers: MedGen C2751544, MONDO:0011556, OMIM 605462.
Basal cell nevus syndrome 1 (BCNS1). Also called: GORLIN-GOLTZ SYNDROME; MULTIPLE BASAL CELL NEVI, ODONTOGENIC KERATOCYSTS, AND SKELETAL ANOMALIES. Identifiers: MedGen CN376810, MONDO:0958174, OMIM 109400.
Holoprosencephaly 7 (HPE7). Identifiers: Orphanet 2162, MedGen C1835820, MONDO:0012562, OMIM 610828.
Hereditary cancer-predisposing syndrome. Also called: Tumor predisposition; Neoplastic Syndromes, Hereditary; Hereditary Cancer Syndrome; Hereditary neoplastic syndrome. Identifiers: Orphanet 140162, MedGen C0027672, MeSH D009386, MONDO:0015356.
Gorlin syndrome. Also called: Basal cell nevus syndrome; Nevoid Basal Cell Carcinoma Syndrome. Identifiers: Orphanet 377, MedGen C0004779, MONDO:0007187.

Allele frequency attached by ClinVar (database versions not stated): gnomAD exomes 0.00039 and 0.00104; ExAC 0.00114; 1000 Genomes Project 0.00319; gnomAD 0.00352 and 0.00379; 1000 Genomes Project 30x 0.00359; TOPMed 0.00411; ESP Exome Variant Server 0.00438.
gnomAD v4.1: 1,171 of 1,614,168 alleles (0.073%); highest among the groups gnomAD compares: African/African-American, 1.2%; 5 homozygotes.

Submissions (13):

Labcorp Genetics (formerly Invitae), Labcorp
Classification: Benign for Gorlin syndrome. Last evaluated: 2026-02-04. Review status: criteria provided, single submitter. Criteria: Invitae Variant Classification Sherloc (09022015). Collection method: clinical testing. Allele origin: germline.

Quest Diagnostics Nichols Institute San Juan Capistrano
Classification: Benign. Last evaluated: 2025-08-13. Review status: criteria provided, single submitter. Criteria: Quest Diagnostics criteria. Collection method: clinical testing. Allele origin: unknown.

CeGaT Center for Human Genetics Tuebingen
Classification: Likely benign. Last evaluated: 2025-07-01. Review status: criteria provided, single submitter. Criteria: CeGaT Center For Human Genetics Tuebingen Variant Classification Criteria Version 2. Collection method: clinical testing. Allele origin: germline. Affected: yes. Observed: 2 variant alleles.
Comment: PTCH1: BP4, BP7, BS1

ARUP Laboratories, Molecular Genetics and Genomics, ARUP Laboratories
Classification: Benign. Last evaluated: 2025-05-19. Review status: criteria provided, single submitter. Criteria: ARUP Molecular Germline Variant Investigation Process 2024. Collection method: clinical testing. Allele origin: germline.

Blueprint Genetics
Classification: Benign. Last evaluated: 2024-10-23. Review status: criteria provided, single submitter. Criteria: ACMG Guidelines, 2015. Collection method: clinical testing. Allele origin: germline.

KCCC/NGS Laboratory, Kuwait Cancer Control Center
Classification: Benign for Basal cell nevus syndrome 1. Last evaluated: 2023-07-07. Review status: criteria provided, single submitter. Criteria: ACMG Guidelines, 2015. Collection method: clinical testing. Allele origin: germline. Affected: yes.

Department of Pathology and Laboratory Medicine, Sinai Health System
Classification: Benign for Basal cell nevus syndrome 1; Basal cell carcinoma, susceptibility to, 1; Holoprosencephaly 7. Last evaluated: 2022-01-31. Review status: criteria provided, single submitter. Criteria: ACMG Guidelines, 2015. Collection method: clinical testing. Allele origin: germline. Affected: yes.

Genetic Services Laboratory, University of Chicago
Classification: Benign. Last evaluated: 2021-12-23. Review status: criteria provided, single submitter. Criteria: ACMG Guidelines, 2015. Collection method: clinical testing. Allele origin: germline. Affected: no.

Sema4
Classification: Benign for Hereditary cancer-predisposing syndrome. Last evaluated: 2020-02-24. Review status: criteria provided, single submitter. Criteria: Sema4 Curation Guidelines. Collection method: curation. Allele origin: germline.

GeneDx
Classification: Benign. Last evaluated: 2019-06-28. Review status: criteria provided, single submitter. Criteria: GeneDx Variant Classification Process June 2021. Collection method: clinical testing. Allele origin: germline. Affected: yes.

Illumina Laboratory Services, Illumina
Classification: Benign for Holoprosencephaly 7. Last evaluated: 2018-01-13. Review status: criteria provided, single submitter. Criteria: ICSL Variant Classification Criteria 13 December 2019. Collection method: clinical testing. Allele origin: germline.
Comment: This variant was observed in the ICSL laboratory as part of a predisposition screen in an ostensibly healthy population. It had not been previously curated by ICSL or reported in the Human Gene Mutation Database (HGMD: prior to June 1st, 2018), and was therefore a candidate for classification through an automated scoring system. Utilizing variant allele frequency, disease prevalence and penetrance estimates, and inheritance mode, an automated score was calculated to assess if this variant is too frequent to cause the disease. Based on the score and internal cut-off values, a variant classified as benign is not then subjected to further curation. The score for this variant resulted in a classification of benign for this disease.

Illumina Laboratory Services, Illumina
Classification: Benign for Basal cell nevus syndrome 1. Last evaluated: 2018-01-13. Review status: criteria provided, single submitter. Criteria: ICSL Variant Classification Criteria 13 December 2019. Collection method: clinical testing. Allele origin: germline.
Comment: the same text as in the submission from Illumina Laboratory Services, Illumina above.

Ambry Genetics
Classification: Benign for Hereditary cancer-predisposing syndrome. Last evaluated: 2017-03-21. Review status: criteria provided, single submitter. Criteria: Ambry Variant Classification Scheme 2023. Collection method: clinical testing. Allele origin: germline.

Literature cited by the submitters: PubMed 22221699 (cited by Quest Diagnostics Nichols Institute San Juan Capistrano).